The following is an entry in ClinVar:

ClinVar aggregate classification (germline): Benign. Review status: criteria provided, multiple submitters, no conflicts (2 of 4 stars). 4 submissions from 4 submitters: Benign (4). Last evaluated 2026-02-01.

Conditions:
Cardiovascular phenotype. Identifiers: MedGen CN230736.
Hypertrophic cardiomyopathy. Also called: HYPERTROPHIC MYOCARDIOPATHY. Identifiers: Orphanet 217569, MedGen C0007194, MeSH D002312, MONDO:0005045, HP:0001639.

Allele frequency attached by ClinVar (database versions not stated): ExAC 0.00143; ESP Exome Variant Server 0.00470; gnomAD 0.00566 and 0.00612; 1000 Genomes Project 0.00599; 1000 Genomes Project 30x 0.00625; TOPMed 0.00660; gnomAD exomes 0.00051 and 0.00137.
gnomAD v4.1: 1,665 of 1,613,420 alleles (0.1%); highest among the groups gnomAD compares: African/African-American, 1.8%; 10 homozygotes.

Submissions (4):

Labcorp Genetics (formerly Invitae), Labcorp
Classification: Benign for Hypertrophic cardiomyopathy. Last evaluated: 2026-02-01. Review status: criteria provided, single submitter. Criteria: Invitae Variant Classification Sherloc (09022015). Collection method: clinical testing. Allele origin: germline.

Laboratory for Molecular Medicine, Mass General Brigham Personalized Medicine
Classification: Benign. Last evaluated: 2014-11-24. Review status: criteria provided, single submitter. Criteria: LMM Criteria. Collection method: clinical testing. Allele origin: germline. Observed: 7 variant alleles.
Comment: Thr180Ile in exon 4 of MYOM1: This variant is not expected to have clinical sign ificance because it has been identified in 1.4% (56/3988) of African American ch romosomes from a broad population by the NHLBI Exome Sequencing Project (dbSNP rs61735396).

Ambry Genetics
Classification: Benign for Cardiovascular phenotype. Last evaluated: 2013-11-21. Review status: criteria provided, single submitter. Criteria: Ambry Autosomal Dominant and X-Linked criteria (10/2015). Collection method: clinical testing. Allele origin: germline. Observed: 1 variant allele.
Comment: General population or subpopulation frequency is too high to be a pathogenic mutation based on disease/syndrome prevalence and penetrance

Breakthrough Genomics
Classification: Benign. Review status: criteria provided, single submitter. Criteria: ACMG Guidelines, 2015. Collection method: not provided. Allele origin: germline. Inheritance: Unknown mechanism. Affected: yes.

NM_003803.4(MYOM1):c.539C>T (p.Thr180Ile)

Gene: MYOM1 (myomesin 1; minus strand). Cytogenetic location: 18p11.31.
Variant type: single nucleotide variant.
Coding change: c.539C>T on transcript NM_003803.4 (MANE Select); coding-DNA position 539, C replaced by T.
Protein change: p.Thr180Ile; replaces threonine 180 with isoleucine.
Molecular consequence: missense variant.
Genome position (GRCh38, 1-based): chr18:3,188,980, G>A on the plus strand (C>T on the coding strand, the complement: MYOM1 is on the minus strand). VCF-style: chr18-3188980-G-A. GRCh37 (hg19) VCF-style: chr18-3188978-G-A.
Other names: c.539C>T, p.Thr180Ile (NM_019856.2); short protein forms T180I.
Identifiers: ClinVar variation 226829 (VCV000226829.19), dbSNP rs61735396, ClinGen allele CA8875224.